The following is an entry in ClinVar:

NM_000038.6(APC):c.5185_5188del (p.Asn1729fs)

Gene: APC (APC regulator of Wnt signaling pathway; plus strand). Cytogenetic location: 5q22.2.
Variant type: Deletion.
Coding change: c.5185_5188del on transcript NM_000038.6 (MANE Select); coding-DNA positions 5185 to 5188, 4 bases deleted (AATT; older notation c.5185_5188delAATT).
Protein change: p.Asn1729fs; shifts the reading frame from asparagine 1729.
Molecular consequence: frameshift variant.
Genome position (GRCh38, 1-based): chr5:112,840,779-112,840,782, AATT deleted; deleting any 4 consecutive bases within chr5:112,840,776-112,840,782 gives the same sequence; the c. name uses the placement nearest the transcript's 3' end. VCF-style (leftmost placement, unchanged base first): chr5-112840775-CATTA-C. GRCh37 (hg19) VCF-style: chr5-112176472-CATTA-C.
Other names: c.5185_5188del, p.Asn1729fs (NM_001127510.3, NM_001354895.2); c.5131_5134del, p.Asn1711fs (NM_001127511.3); c.5239_5242del, p.Asn1747fs (NM_001354896.2); c.5215_5218del, p.Asn1739fs (NM_001354897.2); c.5110_5113del, p.Asn1704fs (NM_001354898.2); c.5101_5104del, p.Asn1701fs (NM_001354899.2); c.5062_5065del, p.Asn1688fs (NM_001354900.2); c.5008_5011del, p.Asn1670fs (NM_001354901.2); and 5 more; short protein forms N1603fs, N1638fs, N1446fs, N1569fs, N1704fs, N1747fs, N1670fs, N1701fs.
Identifiers: ClinVar variation 852781 (VCV000852781.12), dbSNP rs1765870542, ClinGen allele CA916079917.
Genomic context (GRCh38, chr5:112,840,775, plus strand): 5'-TGTAACCATACCTGAATTGGATGACAATAAAGCAGAGGAAGGTGATATTCTTGCAGAATG[CATTA>C]ATTCTGCTATGCCCAAAGGGAAAAGTCACAAGCCTTTCCGTGTGAAAAAGATAATGGACC-3'

ClinVar aggregate classification (germline): Pathogenic. Review status: criteria provided, multiple submitters, no conflicts (2 of 4 stars). 2 submissions from 2 submitters: Pathogenic (2). Last evaluated 2023-05-12.

Conditions:
Familial adenomatous polyposis 1 (FAP1). Also called: POLYPOSIS, ADENOMATOUS INTESTINAL; FAMILIAL ADENOMATOUS POLYPOSIS 1, ATTENUATED. Identifiers: MedGen C2713442, MONDO:0021056, OMIM 175100. Disease mechanism: loss of function.

Submissions (2):

Myriad Genetics, Inc.
Classification: Pathogenic for Familial adenomatous polyposis 1. Last evaluated: 2023-05-12. Review status: criteria provided, single submitter. Criteria: Myriad Autosomal Dominant, Autosomal Recessive and X-Linked Classification Criteria (2023). Collection method: clinical testing. Allele origin: unknown.
Comment: This variant is considered pathogenic. This variant creates a frameshift predicted to result in premature protein truncation.

Labcorp Genetics (formerly Invitae), Labcorp
Classification: Pathogenic for Familial adenomatous polyposis 1. Last evaluated: 2022-02-08. Review status: criteria provided, single submitter. Criteria: Invitae Variant Classification Sherloc (09022015). Collection method: clinical testing. Allele origin: germline.
Comment: For these reasons, this variant has been classified as Pathogenic. A different truncation (p.Tyr2645Lysfs*14) that lies downstream of this variant has been determined to be pathogenic (PMID: 9824584, 1316610, 27081525, 8381579, 22135120, Invitae). This suggests that deletion of this region of the APC protein is causative of disease. This variant is expected to disrupt the EB1 and HDLG binding sites, which mediate interactions with the cytoskeleton (PMID: 15311282, 17293347). While functional studies have not been performed to directly test the effect on APC protein function, this suggests that disruption of the C-terminal portion of the protein is functionally important. ClinVar contains an entry for this variant (Variation ID: 852781). This variant has not been reported in the literature in individuals affected with APC-related conditions. This variant is not present in population databases (gnomAD no frequency). This sequence change creates a premature translational stop signal (p.Asn1729Leufs*14) in the APC gene. While this is not anticipated to result in nonsense mediated decay, it is expected to disrupt the last 1115 amino acid(s) of the APC protein.

Literature cited by the submitters: PubMed 9824584 (cited by Labcorp Genetics (formerly Invitae), Labcorp); PubMed 1316610 (cited by Labcorp Genetics (formerly Invitae), Labcorp); PubMed 27081525 (cited by Labcorp Genetics (formerly Invitae), Labcorp); PubMed 8381579 (cited by Labcorp Genetics (formerly Invitae), Labcorp); PubMed 22135120 (cited by Labcorp Genetics (formerly Invitae), Labcorp); PubMed 15311282 (cited by Labcorp Genetics (formerly Invitae), Labcorp); PubMed 17293347 (cited by Labcorp Genetics (formerly Invitae), Labcorp).